The following is an entry in ClinVar:

ClinVar aggregate classification (germline): Likely benign. Review status: criteria provided, single submitter (1 of 4 stars). 2 submissions from 2 submitters: Likely benign (1). 1 of the submissions does not count toward it. Last evaluated 2023-12-06.

Conditions:
Spastic ataxia 2. Also called: Ataxia, spastic, 2, autosomal recessive. Identifiers: Orphanet 397946, MedGen C1969796, MONDO:0012651, OMIM 611302.
KIF1C-related disorder. Also called: KIF1C-related condition.

Allele frequency attached by ClinVar (database versions not stated): gnomAD exomes 0.00001 and 0.00002; ExAC 0.00003; gnomAD 0.00003.
gnomAD v4.1: 27 of 1,604,288 alleles (0.0017%); highest among the groups gnomAD compares: Admixed American, 0.0034%; no homozygotes.

Submissions (2):

Labcorp Genetics (formerly Invitae), Labcorp
Classification: Likely benign for Spastic ataxia 2. Last evaluated: 2023-12-06. Review status: criteria provided, single submitter. Criteria: Invitae Variant Classification Sherloc (09022015). Collection method: clinical testing. Allele origin: germline.

PreventionGenetics, part of Exact Sciences
Classification: Likely benign for KIF1C-related condition. Last evaluated: 2022-11-02. Review status: no assertion criteria provided. Collection method: clinical testing. Allele origin: germline. Not counted in ClinVar's aggregate classification.
Comment: This variant is classified as likely benign based on ACMG/AMP sequence variant interpretation guidelines (Richards et al. 2015 PMID: 25741868, with internal and published modifications).

NM_006612.6(KIF1C):c.1336-8G>A

Gene: KIF1C (kinesin family member 1C; plus strand). Cytogenetic location: 17p13.2.
Variant type: single nucleotide variant.
Coding change: c.1336-8G>A on transcript NM_006612.6 (MANE Select); 8 bases into the intron before coding-DNA position 1336, G replaced by A.
Molecular consequence: intron variant.
Genome position (GRCh38, 1-based): chr17:5,007,255, G>A. VCF-style: chr17-5007255-G-A. GRCh37 (hg19) VCF-style: chr17-4910550-G-A.
Other names: c.1336-8G>A (NM_006612.5).
Identifiers: ClinVar variation 1630015 (VCV001630015.10), dbSNP rs778681188, ClinGen allele CA8318944.